The following is an entry in ClinVar:

NM_000257.4(MYH7):c.2074C>A (p.Gln692Lys)

Gene: MYH7 (myosin heavy chain 7; minus strand). Cytogenetic location: 14q11.2.
Variant type: single nucleotide variant.
Coding change: c.2074C>A on transcript NM_000257.4 (MANE Select); coding-DNA position 2074, C replaced by A.
Protein change: p.Gln692Lys; replaces glutamine 692 with lysine.
Molecular consequence: missense variant.
Genome position (GRCh38, 1-based): chr14:23,426,052, G>T on the plus strand (C>A on the coding strand, the complement: MYH7 is on the minus strand). VCF-style: chr14-23426052-G-T. GRCh37 (hg19) VCF-style: chr14-23895261-G-T.
Other names: c.2074C>A, p.Gln692Lys (NM_001407004.1); short protein forms Q692K.
Identifiers: ClinVar variation 1719484 (VCV001719484.5), dbSNP rs2502289787, ClinGen allele CA389049178.
Genomic context (GRCh38, chr14:23,426,052, plus strand): 5'-GGTTGGGGAAGCCTTTCCTGCAGATGCGGATGCCCTCCAGCACACCATTGCAGCGCAGCT[G>T]GTGCATGACCAGGGGGTTGTCCATCACCCCTGTGGCAAGAAGGAAGTAGGAGGAGTCTGT-3'
Protein context (NP_000248.2, residues 682-702): GVMDNPLVMH[Gln692Lys]LRCNGVLEGI

ClinVar aggregate classification (germline): Uncertain significance (1 of 4 stars; one submission).

Conditions:
Hypertrophic cardiomyopathy. Also called: HYPERTROPHIC MYOCARDIOPATHY. Identifiers: Orphanet 217569, MedGen C0007194, MeSH D002312, MONDO:0005045, HP:0001639.

Submission:

Labcorp Genetics (formerly Invitae), Labcorp
Classification: Uncertain significance for Hypertrophic cardiomyopathy. Last evaluated: 2022-09-15. Review status: criteria provided, single submitter. Criteria: Invitae Variant Classification Sherloc (09022015). Collection method: clinical testing. Allele origin: germline.
Comment: This variant has not been reported in the literature in individuals affected with MYH7-related conditions. Advanced modeling of protein sequence and biophysical properties (such as structural, functional, and spatial information, amino acid conservation, physicochemical variation, residue mobility, and thermodynamic stability) performed at Invitae indicates that this missense variant is expected to disrupt MYH7 protein function. In summary, the available evidence is currently insufficient to determine the role of this variant in disease. Therefore, it has been classified as a Variant of Uncertain Significance. This sequence change replaces glutamine, which is neutral and polar, with lysine, which is basic and polar, at codon 692 of the MYH7 protein (p.Gln692Lys). This variant is not present in population databases (gnomAD no frequency).